The following is an entry in ClinVar:

ClinVar aggregate classification (germline): Uncertain significance (1 of 4 stars; one submission).

Conditions:
H syndrome. Also called: HISTIOCYTOSIS AND LYMPHADENOPATHY WITH OR WITHOUT CUTANEOUS, CARDIAC, AND/OR ENDOCRINE FEATURES, JOINT CONTRACTURES, AND/OR DEAFNESS; HYPERPIGMENTATION, CUTANEOUS, WITH HYPERTRICHOSIS, HEPATOSPLENOMEGALY, HEART ANOMALIES, AND HYPOGONADISM WITH OR WITHOUT HEARING LOSS; PIGMENTED HYPERTRICHOSIS WITH INSULIN-DEPENDENT DIABETES MELLITUS; ROSAI-DORFMAN DISEASE, FAMILIAL; SINUS HISTIOCYTOSIS AND MASSIVE LYMPHADENOPATHY; Hyperpigmentation, Cutaneous, with Hypertrichosis, Hepatosplenomegaly, Heart Anomalies, Hearing Loss, and Hypogonadism. Identifiers: Orphanet 168569, MedGen C1864445, MONDO:0011273, OMIM 602782.

Allele frequency attached by ClinVar (database versions not stated): gnomAD exomes below 0.00001 and 0.00001; gnomAD 0.00001; ExAC 0.00001.

Submission:

Labcorp Genetics (formerly Invitae), Labcorp
Classification: Uncertain significance for H syndrome. Last evaluated: 2022-04-24. Review status: criteria provided, single submitter. Criteria: Invitae Variant Classification Sherloc (09022015). Collection method: clinical testing. Allele origin: germline.
Comment: In summary, the available evidence is currently insufficient to determine the role of this variant in disease. Therefore, it has been classified as a Variant of Uncertain Significance. Algorithms developed to predict the effect of missense changes on protein structure and function (SIFT, PolyPhen-2, Align-GVGD) all suggest that this variant is likely to be tolerated. This variant has not been reported in the literature in individuals affected with SLC29A3-related conditions. This variant is present in population databases (rs749453197, gnomAD 0.0009%). This sequence change replaces methionine, which is neutral and non-polar, with valine, which is neutral and non-polar, at codon 116 of the SLC29A3 protein (p.Met116Val).

NM_018344.6(SLC29A3):c.346A>G (p.Met116Val)

Genes: SLC29A3 (solute carrier family 29 member 3; plus strand), LOC105378353 (uncharacterized LOC105378353; minus strand). Cytogenetic location: 10q22.1.
Variant type: single nucleotide variant.
Coding change: c.346A>G on transcript NM_018344.6 (MANE Select); coding-DNA position 346, A replaced by G.
Protein change: p.Met116Val; replaces methionine 116 with valine.
Molecular consequence: missense variant.
Genome position (GRCh38, 1-based): chr10:71,344,254, A>G. VCF-style: chr10-71344254-A-G. GRCh37 (hg19) VCF-style: chr10-73104011-A-G.
Other names: c.346A>G, p.Met116Val (NM_001174098.2); c.112A>G, p.Met38Val (NM_001363518.2); short protein forms M38V, M116V.
Identifiers: ClinVar variation 1375637 (VCV001375637.4), dbSNP rs749453197, ClinGen allele CA5542900.